The following is an entry in ClinVar:

ClinVar aggregate classification (germline): Uncertain significance (1 of 4 stars; one submission).

Conditions:
Hypertrophic cardiomyopathy. Also called: HYPERTROPHIC MYOCARDIOPATHY. Identifiers: Orphanet 217569, MedGen C0007194, MeSH D002312, MONDO:0005045, HP:0001639.

Submission:

Labcorp Genetics (formerly Invitae), Labcorp
Classification: Uncertain significance for Hypertrophic cardiomyopathy. Last evaluated: 2025-12-23. Review status: criteria provided, single submitter. Criteria: Invitae Variant Classification Sherloc (09022015). Collection method: clinical testing. Allele origin: germline.
Comment: This sequence change replaces valine, which is neutral and non-polar, with leucine, which is neutral and non-polar, at codon 456 of the MYOM1 protein (p.Val456Leu). This variant is not present in population databases (gnomAD no frequency). This variant has not been reported in the literature in individuals affected with MYOM1-related conditions. Invitae Evidence Modeling of protein sequence and biophysical properties (such as structural, functional, and spatial information, amino acid conservation, physicochemical variation, residue mobility, and thermodynamic stability) indicates that this missense variant is not expected to disrupt MYOM1 protein function with a negative predictive value of 80%. In summary, the available evidence is currently insufficient to determine the role of this variant in disease. Therefore, it has been classified as a Variant of Uncertain Significance.

NM_003803.4(MYOM1):c.1366G>C (p.Val456Leu)

Gene: MYOM1 (myomesin 1; minus strand). Cytogenetic location: 18p11.31.
Variant type: single nucleotide variant.
Coding change: c.1366G>C on transcript NM_003803.4 (MANE Select); coding-DNA position 1366, G replaced by C.
Protein change: p.Val456Leu; replaces valine 456 with leucine.
Molecular consequence: missense variant.
Genome position (GRCh38, 1-based): chr18:3,164,413, C>G on the plus strand (G>C on the coding strand, the complement: MYOM1 is on the minus strand). VCF-style: chr18-3164413-C-G. GRCh37 (hg19) VCF-style: chr18-3164411-C-G.
Other names: c.1366G>C, p.Val456Leu (NM_019856.2); short protein forms V456L.
Identifiers: ClinVar variation 4762546 (VCV004762546.1).
Genomic context (GRCh38, chr18:3,164,413, plus strand): 5'-CTTCTTTGTTGAGATGGGAAAATGTCAGCGTTGCCCGCTCTCCACTCCAAAGTGTTTGCA[C>G]CCATTTTGATGGAGAAAGAGGTACTCCTAGAAATATTTTAAAAGTAAGCAAATTAACTTA-3'
Protein context (NP_003794.3, residues 446-466): NGVPLSPSKW[Val456Leu]QTLWSGERAT